The following is an entry in ClinVar:

NM_001382567.1(STIM1):c.1079_1080delinsGG (p.Gln360Arg)

Gene: STIM1 (stromal interaction molecule 1; plus strand). Cytogenetic location: 11p15.4.
Variant type: Indel.
Coding change: c.1079_1080delinsGG on transcript NM_001382567.1 (MANE Select); coding-DNA positions 1079 to 1080, AA replaced by GG.
Protein change: p.Gln360Arg; replaces glutamine 360 with arginine.
Molecular consequence: missense variant. On other transcripts: non-coding transcript variant (2).
Genome position (GRCh38, 1-based): chr11:4,082,293-4,082,294, AA replaced by GG. VCF-style: chr11-4082293-AA-GG. GRCh37 (hg19) VCF-style: chr11-4103523-AA-GG.
Other names: c.1079_1080delinsGG, p.Gln360Arg (NM_001277961.3, NM_001277962.2, NM_001382568.1 and 1 more transcripts); c.857_858delinsGG, p.Gln286Arg (NM_001382566.1, NM_001382573.1, NM_001382575.1 and 4 more transcripts); c.944_945delinsGG, p.Gln315Arg (NM_001382569.1); c.851_852delinsGG, p.Gln284Arg (NM_001382570.1); c.599_600delinsGG, p.Gln200Arg (NM_001382571.1); c.590_591delinsGG, p.Gln197Arg (NM_001382580.1, NM_001382581.1); short protein forms Q286R, Q360R, Q315R, Q197R, Q284R, Q200R.
Identifiers: ClinVar variation 937164 (VCV000937164.10), dbSNP rs2094469326, ClinGen allele CA1139661800.

ClinVar aggregate classification (germline): Uncertain significance (1 of 4 stars; one submission).

Conditions:
Myopathy with tubular aggregates (TAM). Also called: Tubular Aggregate Myopathy. Identifiers: Orphanet 2593, MedGen C0410207, MONDO:0008051.
Stormorken syndrome (STRMK). Also called: THROMBOCYTOPATHY, ASPLENIA, AND MIOSIS. Identifiers: Orphanet 3204, MedGen C1861451, MONDO:0008497, OMIM 185070.
Combined immunodeficiency due to STIM1 deficiency. Also called: IMMUNODEFICIENCY 10; STIM1 DEFICIENCY. Identifiers: Orphanet 169090, Orphanet 317430, MedGen C2748557, MONDO:0013008, OMIM 612783.

Submission:

Labcorp Genetics (formerly Invitae), Labcorp
Classification: Uncertain significance for Myopathy with tubular aggregates; Combined immunodeficiency due to STIM1 deficiency; Stormorken syndrome. Last evaluated: 2024-01-13. Review status: criteria provided, single submitter. Criteria: Invitae Variant Classification Sherloc (09022015). Collection method: clinical testing. Allele origin: germline.
Comment: This sequence change replaces glutamine, which is neutral and polar, with arginine, which is basic and polar, at codon 360 of the STIM1 protein (p.Gln360Arg). The frequency data for this variant in the population databases is considered unreliable, as metrics indicate poor data quality at this position in the gnomAD database. This variant has not been reported in the literature in individuals affected with STIM1-related conditions. ClinVar contains an entry for this variant (Variation ID: 937164). An algorithm developed to predict the effect of missense changes on protein structure and function (PolyPhen-2) suggests that this variant is likely to be disruptive. In summary, the available evidence is currently insufficient to determine the role of this variant in disease. Therefore, it has been classified as a Variant of Uncertain Significance.